The following is an entry in ClinVar:

ClinVar aggregate classification (germline): Uncertain significance. Review status: criteria provided, multiple submitters, no conflicts (2 of 4 stars). 2 submissions from 2 submitters: Uncertain significance (2). Last evaluated 2020-01-14.

Conditions:
Hereditary cancer-predisposing syndrome. Also called: Neoplastic Syndromes, Hereditary; Tumor predisposition; Hereditary neoplastic syndrome; Hereditary Cancer Syndrome. Identifiers: Orphanet 140162, MedGen C0027672, MeSH D009386, MONDO:0015356.
BAP1-related tumor predisposition syndrome (TPDS1). Also called: Tumor susceptibility linked to germline BAP1 mutations; BAP1 tumor predisposition syndrome; TUMOR PREDISPOSITION SYNDROME 1; COMMON Syndrome. Identifiers: Orphanet 289539, MedGen C3280492, MONDO:0013692, OMIM 614327.

Submissions (2):

Labcorp Genetics (formerly Invitae), Labcorp
Classification: Uncertain significance for BAP1-related tumor predisposition syndrome. Last evaluated: 2020-01-14. Review status: criteria provided, single submitter. Criteria: Invitae Variant Classification Sherloc (09022015). Collection method: clinical testing. Allele origin: germline.
Comment: In summary, the available evidence is currently insufficient to determine the role of this variant in disease. Therefore, it has been classified as a Variant of Uncertain Significance. Algorithms developed to predict the effect of missense changes on protein structure and function (SIFT, PolyPhen-2, Align-GVGD) all suggest that this variant is likely to be disruptive, but these predictions have not been confirmed by published functional studies and their clinical significance is uncertain. This variant has not been reported in the literature in individuals with BAP1-related conditions. This variant is not present in population databases (ExAC no frequency). This sequence change replaces proline with leucine at codon 190 of the BAP1 protein (p.Pro190Leu). The proline residue is highly conserved and there is a moderate physicochemical difference between proline and leucine.

Ambry Genetics
Classification: Uncertain significance for Hereditary cancer-predisposing syndrome. Last evaluated: 2019-09-16. Review status: criteria provided, single submitter. Criteria: Ambry Variant Classification Scheme 2023. Collection method: clinical testing. Allele origin: germline.
Comment: The p.P190L variant (also known as c.569C>T), located in coding exon 7 of the BAP1 gene, results from a C to T substitution at nucleotide position 569. The proline at codon 190 is replaced by leucine, an amino acid with similar properties. This amino acid position is highly conserved in available vertebrate species. In addition, this alteration is predicted to be deleterious by in silico analysis. Since supporting evidence is limited at this time, the clinical significance of this alteration remains unclear.

NM_004656.4(BAP1):c.569C>T (p.Pro190Leu)

Gene: BAP1 (BRCA1 associated deubiquitinase 1; minus strand). Cytogenetic location: 3p21.1.
Variant type: single nucleotide variant.
Coding change: c.569C>T on transcript NM_004656.4 (MANE Select); coding-DNA position 569, C replaced by T.
Protein change: p.Pro190Leu; replaces proline 190 with leucine.
Molecular consequence: missense variant.
Genome position (GRCh38, 1-based): chr3:52,407,185, G>A on the plus strand (C>T on the coding strand, the complement: BAP1 is on the minus strand). VCF-style: chr3-52407185-G-A. GRCh37 (hg19) VCF-style: chr3-52441201-G-A.
Other names: short protein forms P190L.
Identifiers: ClinVar variation 825903 (VCV000825903.9), dbSNP rs1578226360, ClinGen allele CA353109486.